The following is an entry in ClinVar:

NM_014000.3(VCL):c.2387C>T (p.Pro796Leu)

Gene: VCL (vinculin; plus strand). Cytogenetic location: 10q22.2.
Variant type: single nucleotide variant.
Coding change: c.2387C>T on transcript NM_014000.3 (MANE Select); coding-DNA position 2387, C replaced by T.
Protein change: p.Pro796Leu; replaces proline 796 with leucine.
Molecular consequence: missense variant.
Genome position (GRCh38, 1-based): chr10:74,105,306, C>T. VCF-style: chr10-74105306-C-T. GRCh37 (hg19) VCF-style: chr10-75865064-C-T.
Other names: c.2387C>T, p.Pro796Leu (NM_003373.4); short protein forms P796L.
Identifiers: ClinVar variation 498320 (VCV000498320.12), dbSNP rs1364541925, ClinGen allele CA377262782.
Genomic context (GRCh38, chr10:74,105,306, plus strand): 5'-ATCCCAAGTTCCGTGAGGCTGTGAAAGCTGCCTCTGATGAATTGAGCAAAACCATCTCCC[C>T]GATGGTGATGGATGCAAAAGCTGTGGCTGGAAACATTTCCGACCCTGGTAAGCAATGCAT-3'
Protein context (NP_054706.1, residues 786-806): ASDELSKTIS[Pro796Leu]MVMDAKAVAG

ClinVar aggregate classification (germline): Uncertain significance. Review status: criteria provided, multiple submitters, no conflicts (2 of 4 stars). 2 submissions from 2 submitters: Uncertain significance (2). Last evaluated 2025-06-10.

Conditions:
Dilated cardiomyopathy 1W (CMD1W). Identifiers: Orphanet 154, MedGen C1969639, MONDO:0012667, OMIM 611407.

Allele frequency attached by ClinVar (database versions not stated): gnomAD exomes below 0.00001; gnomAD 0.00001; TOPMed 0.00001.
gnomAD v4.1: 5 of 1,613,016 alleles (0.00031%); highest among the groups gnomAD compares: East Asian, 0.0022%; no homozygotes.

Submissions (2):

Labcorp Genetics (formerly Invitae), Labcorp
Classification: Uncertain significance for Dilated cardiomyopathy 1W. Last evaluated: 2025-06-10. Review status: criteria provided, single submitter. Criteria: Invitae Variant Classification Sherloc (09022015). Collection method: clinical testing. Allele origin: germline.
Comment: This sequence change replaces proline, which is neutral and non-polar, with leucine, which is neutral and non-polar, at codon 796 of the VCL protein (p.Pro796Leu). This variant is present in population databases (no rsID available, gnomAD 0.0009%). This variant has not been reported in the literature in individuals affected with VCL-related conditions. ClinVar contains an entry for this variant (Variation ID: 498320). An algorithm developed to predict the effect of missense changes on protein structure and function (PolyPhen-2) suggests that this variant is likely to be disruptive. In summary, the available evidence is currently insufficient to determine the role of this variant in disease. Therefore, it has been classified as a Variant of Uncertain Significance.

Eurofins Ntd Llc (ga)
Classification: Uncertain significance. Last evaluated: 2016-11-30. Review status: criteria provided, single submitter. Criteria: EGL Classification Definitions 2015. Collection method: clinical testing. Allele origin: germline. Observed: 1 variant allele, 1 heterozygote.